The following is an entry in ClinVar:

NM_021147.5(CCNO):c.548T>A (p.Leu183Ter)

Gene: CCNO (cyclin O; minus strand). Cytogenetic location: 5q11.2.
Variant type: single nucleotide variant.
Coding change: c.548T>A on transcript NM_021147.5 (MANE Select); coding-DNA position 548, T replaced by A.
Protein change: p.Leu183Ter; replaces leucine 183 with a stop codon.
Molecular consequence: nonsense. On other transcripts: non-coding transcript variant (3).
Genome position (GRCh38, 1-based): chr5:55,232,380, A>T on the plus strand (T>A on the coding strand, the complement: CCNO is on the minus strand). VCF-style: chr5-55232380-A-T. GRCh37 (hg19) VCF-style: chr5-54528208-A-T.
Other names: short protein forms L183*.
Identifiers: ClinVar variation 2502875 (VCV002502875.1), dbSNP rs2478547859, ClinGen allele CA359722684.
Genomic context (GRCh38, chr5:55,232,380, plus strand): 5'-GTCCCCAGATGCCGCGTGTACCTGTTTGATACCCCAGGTACCTGTTTGCAAGCGATGAGC[A>T]AGGAGGTGACCCCAAGCAGCTGGAAGCAGTCTGCAGCCACCGGCGTGGTGGTGAGGAAGC-3'

ClinVar aggregate classification (germline): Likely pathogenic (1 of 4 stars; one submission).

Conditions:
Primary ciliary dyskinesia 29. Also called: CILIARY DYSKINESIA, PRIMARY, 29, WITHOUT SITUS INVERSUS. Identifiers: Orphanet 244, MedGen C4014534, MONDO:0014378, OMIM 615872.

Submission:

Lifecell International Pvt. Ltd
Classification: Likely pathogenic for Primary ciliary dyskinesia 29. Review status: criteria provided, single submitter. Criteria: ACMG Guidelines, 2015. Collection method: clinical testing. Allele origin: germline. Inheritance: Autosomal recessive inheritance. Affected: yes. Observed: 1 compound heterozygote.
Comment: A Heterozygous Nonsense variant c.548T>A in Exon 2 of the CCNO gene that results in the amino acid substitution p.Leu183* was identified. The observed variant has a maximum allele frequency of 0% in gnomAD exomes and genomes, respectively. The severity of the impact of this variant on the protein is high, based on the effect of the protein and REVEL score. Rare Exome Variant Ensemble Learner (REVEL) is an ensembl method for predicting the pathogenicity of missense variants based on a combination of scores from 13 individual tools: MutPred, FATHMM v2.3, VEST 3.0, PolyPhen-2, SIFT, PROVEAN, MutationAssessor, MutationTaster, LRT, GERP++, SiPhy, phyloP, and phastCons. The REVEL score for an individual missense variant can range from 0 to 1, with higher scores reflecting greater likelihood that the variant is disease-causing. Based on the above evidence this variant has been classified as Likely Pathogenic according to the ACMG guidelines.